The following is an entry in ClinVar:

NM_007327.4(GRIN1):c.14G>A (p.Arg5His)

Gene: GRIN1 (glutamate ionotropic receptor NMDA type subunit 1; plus strand). Cytogenetic location: 9q34.3.
Variant type: single nucleotide variant.
Coding change: c.14G>A on transcript NM_007327.4 (MANE Select); coding-DNA position 14, G replaced by A.
Protein change: p.Arg5His; replaces arginine 5 with histidine.
Molecular consequence: missense variant.
Genome position (GRCh38, 1-based): chr9:137,139,500, G>A. VCF-style: chr9-137139500-G-A. GRCh37 (hg19) VCF-style: chr9-140033952-G-A.
Other names: c.14G>A, p.Arg5His (NM_000832.7, NM_001185090.2, NM_001185091.2 and 1 more transcripts); short protein forms R5H.
Identifiers: ClinVar variation 1773981 (VCV001773981.5), dbSNP rs779872478, ClinGen allele CA5360568.

ClinVar aggregate classification (germline): Conflicting classifications of pathogenicity. Review status: criteria provided, conflicting classifications (1 of 4 stars). 2 submissions from 2 submitters: Uncertain significance (1); Likely benign (1). Last evaluated 2025-05-27.

Conditions:
Inborn genetic diseases. Identifiers: MedGen C0950123, MeSH D030342.
Neurodevelopmental disorder with or without hyperkinetic movements and seizures, autosomal dominant. Also called: Intellectual disability, autosomal dominant 8. Identifiers: MedGen C3280282, MONDO:0013655, OMIM 614254.

Allele frequency attached by ClinVar (database versions not stated): gnomAD 0.00001; gnomAD exomes 0.00001; TOPMed 0.00001; ExAC 0.00002.
gnomAD v4.1: 9 of 1,595,996 alleles (0.00056%); highest among the groups gnomAD compares: Admixed American, 0.0034%; no homozygotes.

Submissions (2):

Labcorp Genetics (formerly Invitae), Labcorp
Classification: Likely benign for Neurodevelopmental disorder with or without hyperkinetic movements and seizures, autosomal dominant. Last evaluated: 2025-05-27. Review status: criteria provided, single submitter. Criteria: Invitae Variant Classification Sherloc (09022015). Collection method: clinical testing. Allele origin: germline.

Ambry Genetics
Classification: Uncertain significance for Inborn genetic diseases. Last evaluated: 2017-06-30. Review status: criteria provided, single submitter. Criteria: Ambry Variant Classification Scheme 2023. Collection method: clinical testing. Allele origin: germline.
Comment: The p.R5H variant (also known as c.14G>A), located in coding exon 1 of the GRIN1 gene, results from a G to A substitution at nucleotide position 14. The arginine at codon 5 is replaced by histidine, an amino acid with highly similar properties. This amino acid position is not well conserved in available vertebrate species, and histidine is the reference amino acid in other vertebrate species. In addition, this alteration is predicted to be tolerated by in silico analysis. Since supporting evidence is limited at this time, the clinical significance of this alteration remains unclear.